The following is an entry in ClinVar:

NM_000466.3(PEX1):c.1283C>T (p.Ala428Val)

Gene: PEX1 (peroxisomal biogenesis factor 1; minus strand). Cytogenetic location: 7q21.2.
Variant type: single nucleotide variant.
Coding change: c.1283C>T on transcript NM_000466.3 (MANE Select); coding-DNA position 1283, C replaced by T.
Protein change: p.Ala428Val; replaces alanine 428 with valine.
Molecular consequence: missense variant.
Genome position (GRCh38, 1-based): chr7:92,513,924, G>A on the plus strand (C>T on the coding strand, the complement: PEX1 is on the minus strand). VCF-style: chr7-92513924-G-A. GRCh37 (hg19) VCF-style: chr7-92143238-G-A.
Other names: c.1283C>T, p.Ala428Val (NM_001282677.2); c.659C>T, p.Ala220Val (NM_001282678.2); c.1283C>T (NM_000466.2); short protein forms A428V, A220V.
Identifiers: ClinVar variation 594015 (VCV000594015.11), dbSNP rs376883207, ClinGen allele CA4341445.

ClinVar aggregate classification (germline): Conflicting classifications of pathogenicity. Review status: criteria provided, conflicting classifications (1 of 4 stars). 4 submissions from 4 submitters: Uncertain significance (3); Likely benign (1). Last evaluated 2026-05-13.

Conditions:
Zellweger spectrum disorders (ZS). Also called: Zellweger Spectrum Disorder; Zellweger Spectrum; Zellweger syndrome; Zellweger Spectrum Disorder (ZSD). Identifiers: Orphanet 912, MedGen C0043459, MONDO:0019609.
PEX1-related disorder. Also called: PEX1-related condition.

Allele frequency attached by ClinVar (database versions not stated): gnomAD 0.00015 and 0.00017; TOPMed 0.00023; ExAC 0.00001; gnomAD exomes 0.00002 and 0.00005; ESP Exome Variant Server 0.00008.
gnomAD v4.1: 64 of 1,590,704 alleles (0.004%); highest among the groups gnomAD compares: Admixed American, 0.063%; no homozygotes.

Submissions (4):

PreventionGenetics, part of Exact Sciences
Classification: Uncertain significance for PEX1-related condition. Last evaluated: 2026-05-13. Review status: criteria provided, single submitter. Criteria: ACMG Guidelines, 2015. Collection method: clinical testing. Allele origin: germline.
Comment: The PEX1 c.1283C>T variant is predicted to result in the amino acid substitution p.Ala428Val. To our knowledge, this variant has not been reported in the literature. This variant is reported in 0.034% of alleles in individuals of Latino descent in gnomAD. At this time, the clinical significance of this variant is uncertain due to the absence of conclusive functional and genetic evidence.

Labcorp Genetics (formerly Invitae), Labcorp
Classification: Likely benign for Zellweger spectrum disorders. Last evaluated: 2026-01-27. Review status: criteria provided, single submitter. Criteria: Invitae Variant Classification Sherloc (09022015). Collection method: clinical testing. Allele origin: germline.

Blueprint Genetics
Classification: Uncertain significance. Last evaluated: 2024-11-14. Review status: criteria provided, single submitter. Criteria: ACMG Guidelines, 2015. Collection method: clinical testing. Allele origin: germline.

Eurofins Ntd Llc (ga)
Classification: Uncertain significance. Last evaluated: 2017-10-06. Review status: criteria provided, single submitter. Criteria: EGL Classification Definitions 2015. Collection method: clinical testing. Allele origin: germline. Observed: 1 variant allele, 1 heterozygote.